The following is an entry in ClinVar:

ClinVar aggregate classification (germline): Pathogenic/Likely pathogenic. Review status: criteria provided, multiple submitters, no conflicts (2 of 4 stars). 2 submissions from 2 submitters: Pathogenic (1); Likely pathogenic (1). Last evaluated 2026-01-21.

Conditions:
Autosomal recessive osteopetrosis 1. Also called: ALBERS-SCHONBERG DISEASE, AUTOSOMAL RECESSIVE; TCIRG1-Related Autosomal Recessive Osteopetrosis; TCIRG1-Related Osteopetrosis. Identifiers: Orphanet 667, MedGen C1850127, MONDO:0009815, OMIM 259700.

Submissions (2):

Labcorp Genetics (formerly Invitae), Labcorp
Classification: Pathogenic. Last evaluated: 2026-01-21. Review status: criteria provided, single submitter. Criteria: Invitae Variant Classification Sherloc (09022015). Collection method: clinical testing. Allele origin: germline.
Comment: This sequence change creates a premature translational stop signal (p.Leu288Glyfs*11) in the TCIRG1 gene. It is expected to result in an absent or disrupted protein product. Loss-of-function variants in TCIRG1 are known to be pathogenic (PMID: 10888887, 10942435, 11532986, 19448635). This variant is not present in population databases (gnomAD no frequency). This variant has not been reported in the literature in individuals affected with TCIRG1-related conditions. For these reasons, this variant has been classified as Pathogenic.

Greenwood Genetic Center Diagnostic Laboratories, Greenwood Genetic Center
Classification: Likely pathogenic for Autosomal recessive osteopetrosis 1. Last evaluated: 2021-06-09. Review status: criteria provided, single submitter. Criteria: ACMG Guidelines, 2015. Collection method: clinical testing. Allele origin: germline. Affected: yes.
Comment: PVS1, PM2

Literature cited by the submitters: PubMed 10888887 (cited by Labcorp Genetics (formerly Invitae), Labcorp); PubMed 10942435 (cited by Labcorp Genetics (formerly Invitae), Labcorp); PubMed 11532986 (cited by Labcorp Genetics (formerly Invitae), Labcorp); PubMed 19448635 (cited by Labcorp Genetics (formerly Invitae), Labcorp).

NM_006019.4(TCIRG1):c.862_866delinsG (p.Leu288fs)

Gene: TCIRG1 (T cell immune regulator 1, ATPase H+ transporting V0 subunit a3; plus strand). Cytogenetic location: 11q13.2.
Variant type: Indel.
Coding change: c.862_866delinsG on transcript NM_006019.4 (MANE Select); coding-DNA positions 862 to 866, CTGCT replaced by G.
Protein change: p.Leu288fs; shifts the reading frame from leucine 288.
Molecular consequence: frameshift variant. On other transcripts: 5 prime UTR variant (1).
Genome position (GRCh38, 1-based): chr11:68,044,186-68,044,190, CTGCT replaced by G. VCF-style: chr11-68044186-CTGCT-G. GRCh37 (hg19) VCF-style: chr11-67811653-CTGCT-G.
Other names: c.-33_-29delinsG (NM_001351059.2); c.214_218delinsG, p.Leu72fs (NM_006053.4); short protein forms L72fs, L288fs.
Identifiers: ClinVar variation 965527 (VCV000965527.9), dbSNP rs1855343916, ClinGen allele CA1139662065.
Genomic context (GRCh38, chr11:68,044,186, plus strand): 5'-GCGCAGGTCCTCGGGGAGACAGAGCGGTTCCTGAGCCAGGTGCTAGGCCGGGTGCTGCAG[CTGCT>G]GCCGCCAGGGCAGGTGCAGGTCCACAAGATGAAGGCCGTGTACCTGGCCCTGAACCAGTG-3'